The following is an entry in ClinVar:

ClinVar aggregate classification (germline): Conflicting classifications of pathogenicity. Review status: criteria provided, conflicting classifications (1 of 4 stars). 3 submissions from 3 submitters: Uncertain significance (2); Likely benign (1). Last evaluated 2026-04-16.

Conditions:
Cardiovascular phenotype. Identifiers: MedGen CN230736.
Alstrom syndrome (ALMS). Identifiers: Orphanet 64, MedGen C0268425, MONDO:0008763, OMIM 203800.

Allele frequency attached by ClinVar (database versions not stated): gnomAD 0.00002; ExAC 0.00007.
gnomAD v4.1: 16 of 1,613,200 alleles (0.00099%); highest among the groups gnomAD compares: East Asian, 0.027%; no homozygotes.

Submissions (3):

GeneDx
Classification: Uncertain significance. Last evaluated: 2026-04-16. Review status: criteria provided, single submitter. Criteria: GeneDx Variant Classification Process June 2021. Collection method: clinical testing. Allele origin: germline.
Comment: In silico analysis suggests that this missense variant does not alter protein structure/function; Has not been previously published as pathogenic or benign to our knowledge

Labcorp Genetics (formerly Invitae), Labcorp
Classification: Uncertain significance for Alstrom syndrome. Last evaluated: 2022-07-09. Review status: criteria provided, single submitter. Criteria: Invitae Variant Classification Sherloc (09022015). Collection method: clinical testing. Allele origin: germline.
Comment: This sequence change replaces isoleucine, which is neutral and non-polar, with valine, which is neutral and non-polar, at codon 1165 of the ALMS1 protein (p.Ile1165Val). This variant is present in population databases (rs761196366, gnomAD 0.09%). This variant has not been reported in the literature in individuals affected with ALMS1-related conditions. Algorithms developed to predict the effect of missense changes on protein structure and function output the following: SIFT: "Not Available"; PolyPhen-2: "Not Available"; Align-GVGD: "Not Available". The valine amino acid residue is found in multiple mammalian species, which suggests that this missense change does not adversely affect protein function. In summary, the available evidence is currently insufficient to determine the role of this variant in disease. Therefore, it has been classified as a Variant of Uncertain Significance.

Ambry Genetics
Classification: Likely benign for Cardiovascular phenotype. Last evaluated: 2022-05-27. Review status: criteria provided, single submitter. Criteria: Ambry Variant Classification Scheme 2023. Collection method: clinical testing. Allele origin: germline.

NM_001378454.1(ALMS1):c.3490A>G (p.Ile1164Val)

Gene: ALMS1 (ALMS1 centrosome and basal body associated protein; plus strand). Cytogenetic location: 2p13.1.
Variant type: single nucleotide variant.
Coding change: c.3490A>G on transcript NM_001378454.1 (MANE Select); coding-DNA position 3490, A replaced by G.
Protein change: p.Ile1164Val; replaces isoleucine 1164 with valine.
Molecular consequence: missense variant.
Genome position (GRCh38, 1-based): chr2:73,450,017, A>G. VCF-style: chr2-73450017-A-G. GRCh37 (hg19) VCF-style: chr2-73677144-A-G.
Other names: c.3493A>G, p.Ile1165Val (NM_015120.4); short protein forms I1164V, I1165V.
Identifiers: ClinVar variation 1731961 (VCV001731961.5), dbSNP rs761196366, ClinGen allele CA1713536.